The following is an entry in ClinVar:

NM_001099271.2(POC5):c.281A>G (p.His94Arg)

Gene: POC5 (POC5 centriolar protein; minus strand). Cytogenetic location: 5q13.3.
Variant type: single nucleotide variant.
Coding change: c.281A>G on transcript NM_001099271.2 (MANE Select); coding-DNA position 281, A replaced by G.
Protein change: p.His94Arg; replaces histidine 94 with arginine.
Molecular consequence: missense variant.
Genome position (GRCh38, 1-based): chr5:75,705,730, T>C on the plus strand (A>G on the coding strand, the complement: POC5 is on the minus strand). VCF-style: chr5-75705730-T-C. GRCh37 (hg19) VCF-style: chr5-75001555-T-C.
Other names: c.206A>G, p.His69Arg (NM_152408.3); short protein forms H69R, H94R.
Identifiers: ClinVar variation 3617094 (VCV003617094.2).

ClinVar aggregate classification (germline): Uncertain significance (1 of 4 stars; one submission).

Submission:

Labcorp Genetics (formerly Invitae), Labcorp
Classification: Uncertain significance. Last evaluated: 2025-07-02. Review status: criteria provided, single submitter. Criteria: Invitae Variant Classification Sherloc (09022015). Collection method: clinical testing. Allele origin: germline.
Comment: This sequence change replaces histidine, which is basic and polar, with arginine, which is basic and polar, at codon 94 of the POC5 protein (p.His94Arg). This variant is not present in population databases (gnomAD no frequency). This variant has not been reported in the literature in individuals affected with POC5-related conditions. ClinVar contains an entry for this variant (Variation ID: 3617094). An algorithm developed to predict the effect of missense changes on protein structure and function (PolyPhen-2) suggests that this variant is likely to be tolerated. In summary, the available evidence is currently insufficient to determine the role of this variant in disease. Therefore, it has been classified as a Variant of Uncertain Significance.